The following is an entry in ClinVar:

ClinVar aggregate classification (germline): Likely benign. Review status: criteria provided, single submitter (1 of 4 stars). 2 submissions from 2 submitters: Likely benign (1). 1 of the submissions does not count toward it. Last evaluated 2024-10-01.

Conditions:
EXO1-related disorder. Also called: EXO1-related condition.

Allele frequency attached by ClinVar (database versions not stated): 1000 Genomes Project 30x 0.00109; ExAC 0.00127; 1000 Genomes Project 0.00140; ESP Exome Variant Server 0.00192; TOPMed 0.00206; gnomAD 0.00209.
gnomAD v4.1: 4,345 of 1,610,178 alleles (0.27%); highest among the groups gnomAD compares: Middle Eastern, 0.76%; 17 homozygotes.

Submissions (2):

CeGaT Center for Human Genetics Tuebingen
Classification: Likely benign. Last evaluated: 2024-10-01. Review status: criteria provided, single submitter. Criteria: CeGaT Center For Human Genetics Tuebingen Variant Classification Criteria Version 2. Collection method: clinical testing. Allele origin: germline. Affected: yes. Observed: 1 variant allele.
Comment: EXO1: BP4, BS2

PreventionGenetics, part of Exact Sciences
Classification: Likely benign for EXO1-related condition. Last evaluated: 2019-09-24. Review status: no assertion criteria provided. Collection method: clinical testing. Allele origin: germline. Not counted in ClinVar's aggregate classification.
Comment: This variant is classified as likely benign based on ACMG/AMP sequence variant interpretation guidelines (Richards et al. 2015 PMID: 25741868, with internal and published modifications).

NM_130398.4(EXO1):c.1901G>A (p.Arg634Gln)

Gene: EXO1 (exonuclease 1; plus strand). Cytogenetic location: 1q43.
Variant type: single nucleotide variant.
Coding change: c.1901G>A on transcript NM_130398.4 (MANE Select); coding-DNA position 1901, G replaced by A.
Protein change: p.Arg634Gln; replaces arginine 634 with glutamine.
Molecular consequence: missense variant.
Genome position (GRCh38, 1-based): chr1:241,879,135, G>A. VCF-style: chr1-241879135-G-A. GRCh37 (hg19) VCF-style: chr1-242042437-G-A.
Other names: c.1898G>A, p.Arg633Gln (NM_001319224.2); c.1901G>A, p.Arg634Gln (NM_003686.4, NM_006027.4); short protein forms R633Q, R634Q.
Identifiers: ClinVar variation 3049917 (VCV003049917.16), dbSNP rs4149978, ClinGen allele CA1481460.